The following is an entry in ClinVar:

ClinVar aggregate classification (germline): Uncertain significance (1 of 4 stars; one submission).

gnomAD v4.1: 1 of 1,489,946 alleles (0.000067%); highest among the groups gnomAD compares: Non-Finnish European, 0.000089%; no homozygotes.

Submission:

GeneDx
Classification: Uncertain significance. Last evaluated: 2025-04-21. Review status: criteria provided, single submitter. Criteria: GeneDx Variant Classification Process June 2021. Collection method: clinical testing. Allele origin: germline. Affected: yes.
Comment: Not observed at significant frequency in large population cohorts (gnomAD); In silico analysis indicates that this missense variant does not alter protein structure/function; Has not been previously published as pathogenic or benign to our knowledge

NM_004519.4(KCNQ3):c.117G>C (p.Glu39Asp)

Gene: KCNQ3 (potassium voltage-gated channel subfamily Q member 3; minus strand). Cytogenetic location: 8q24.22.
Variant type: single nucleotide variant.
Coding change: c.117G>C on transcript NM_004519.4 (MANE Select); coding-DNA position 117, G replaced by C.
Protein change: p.Glu39Asp; replaces glutamic acid 39 with aspartic acid.
Molecular consequence: missense variant.
Genome position (GRCh38, 1-based): chr8:132,480,416, C>G on the plus strand (G>C on the coding strand, the complement: KCNQ3 is on the minus strand). VCF-style: chr8-132480416-C-G. GRCh37 (hg19) VCF-style: chr8-133492663-C-G.
Other names: short protein forms E39D.
Identifiers: ClinVar variation 4527079 (VCV004527079.1).